The following is an entry in ClinVar:

ClinVar aggregate classification (germline): Pathogenic (1 of 4 stars; one submission).

Conditions:
Deficiency of adenosine deaminase 2. Also called: Polyarteritis nodosa, childhoood-onset; VASCULITIS, AUTOINFLAMMATION, IMMUNODEFICIENCY, AND HEMATOLOGIC DEFECTS SYNDROME; Adenosine Deaminase 2 Deficiency. Identifiers: Orphanet 404553, MedGen C3887654, MONDO:0014306, OMIM 615688, MONDO:0100317.

Submission:

Labcorp Genetics (formerly Invitae), Labcorp
Classification: Pathogenic for Deficiency of adenosine deaminase 2. Last evaluated: 2019-07-30. Review status: criteria provided, single submitter. Criteria: Invitae Variant Classification Sherloc (09022015). Collection method: clinical testing. Allele origin: germline.
Comment: This variant is not present in population databases (ExAC no frequency). This sequence change creates a premature translational stop signal (p.His91Ilefs*12) in the ADA2 gene. It is expected to result in an absent or disrupted protein product. For these reasons, this variant has been classified as Pathogenic. Loss-of-function variants in ADA2 are known to be pathogenic (PMID: 24552284, 24552285). This variant has not been reported in the literature in individuals with ADA2-related conditions.

Literature cited by the submitters: PubMed 24552284; PubMed 24552285.

NM_001282225.2(ADA2):c.271del (p.His91fs)

Gene: ADA2 (adenosine deaminase 2; minus strand). Cytogenetic location: 22q11.1.
Variant type: Deletion.
Coding change: c.271del on transcript NM_001282225.2 (MANE Select); coding-DNA position 271, one base deleted (C; older notation c.271delC).
Protein change: p.His91fs; shifts the reading frame from histidine 91.
Molecular consequence: frameshift variant. On other transcripts: intron variant (1).
Genome position (GRCh38, 1-based): chr22:17,209,407, G deleted on the plus strand (C on the coding strand, the reverse complement: ADA2 is on the minus strand). VCF-style (leftmost placement, unchanged base first): chr22-17209406-TG-T. GRCh37 (hg19) VCF-style: chr22-17690296-TG-T.
Other names: c.271del, p.His91fs (NM_001282226.2); c.145del, p.His49fs (NM_001282227.2, NM_001282228.2); c.-38-2117del (NM_001282229.2); short protein forms H49fs, H91fs.
Identifiers: ClinVar variation 935937 (VCV000935937.8), dbSNP rs2062392148, ClinGen allele CA1139666943.